The following is an entry in ClinVar:

NM_000891.3(KCNJ2):c.916G>T (p.Ala306Ser)

Gene: KCNJ2 (potassium inwardly rectifying channel subfamily J member 2; plus strand). Cytogenetic location: 17q24.3.
Variant type: single nucleotide variant.
Coding change: c.916G>T on transcript NM_000891.3 (MANE Select); coding-DNA position 916, G replaced by T.
Protein change: p.Ala306Ser; replaces alanine 306 with serine.
Molecular consequence: missense variant.
Genome position (GRCh38, 1-based): chr17:70,175,955, G>T. VCF-style: chr17-70175955-G-T. GRCh37 (hg19) VCF-style: chr17-68172096-G-T.
Other names: short protein forms A306S.
Identifiers: ClinVar variation 3363532 (VCV003363532.1).

ClinVar aggregate classification (germline): Uncertain significance (1 of 4 stars; one submission).

Submission:

GeneDx
Classification: Uncertain significance. Last evaluated: 2023-11-01. Review status: criteria provided, single submitter. Criteria: GeneDx Variant Classification Process June 2021. Collection method: clinical testing. Allele origin: germline. Affected: yes.
Comment: In silico analysis supports that this missense variant does not alter protein structure/function; Not observed at significant frequency in large population cohorts (gnomAD); Has not been previously published as pathogenic or benign to our knowledge